The following is an entry in ClinVar:

ClinVar aggregate classification (germline): Uncertain significance (1 of 4 stars; one submission).

Conditions:
DNAH8-related disorder. Also called: DNAH8-related condition.

gnomAD v4.1: 1 of 1,613,992 alleles (0.000062%); no homozygotes.

Submission:

PreventionGenetics, part of Exact Sciences
Classification: Uncertain significance for DNAH8-related condition. Last evaluated: 2022-12-05. Review status: criteria provided, single submitter. Criteria: ACMG Guidelines, 2015. Collection method: clinical testing. Allele origin: germline.
Comment: The DNAH8 c.673A>G variant is predicted to result in the amino acid substitution p.Asn225Asp. To our knowledge, this variant has not been reported in the literature or in a large population database, indicating this variant is rare. At this time, the clinical significance of this variant is uncertain due to the absence of conclusive functional and genetic evidence.

NM_001206927.2(DNAH8):c.673A>G (p.Asn225Asp)

Gene: DNAH8 (dynein axonemal heavy chain 8; plus strand). Cytogenetic location: 6p21.2.
Variant type: single nucleotide variant.
Coding change: c.673A>G on transcript NM_001206927.2 (MANE Select); coding-DNA position 673, A replaced by G.
Protein change: p.Asn225Asp; replaces asparagine 225 with aspartic acid.
Molecular consequence: missense variant.
Genome position (GRCh38, 1-based): chr6:38,734,536, A>G. VCF-style: chr6-38734536-A-G. GRCh37 (hg19) VCF-style: chr6-38702312-A-G.
Other names: c.22A>G, p.Asn8Asp (NM_001371.4); short protein forms N225D, N8D.
Identifiers: ClinVar variation 2635245 (VCV002635245.1), dbSNP rs1763930379, ClinGen allele CA363985958.